The following is an entry in ClinVar:

NM_004736.4(XPR1):c.1723A>G (p.Ile575Val)

Gene: XPR1 (xenotropic and polytropic retrovirus receptor 1; plus strand). Cytogenetic location: 1q25.3.
Variant type: single nucleotide variant.
Coding change: c.1723A>G on transcript NM_004736.4 (MANE Select); coding-DNA position 1723, A replaced by G.
Protein change: p.Ile575Val; replaces isoleucine 575 with valine.
Molecular consequence: missense variant. On other transcripts: non-coding transcript variant (1).
Genome position (GRCh38, 1-based): chr1:180,873,857, A>G. VCF-style: chr1-180873857-A-G. GRCh37 (hg19) VCF-style: chr1-180842993-A-G.
Other names: p.Ile575Val; c.1528A>G, p.Ile510Val (NM_001135669.2); short protein forms I510V, I575V.
Identifiers: ClinVar variation 770330 (VCV000770330.15), dbSNP rs147941113, ClinGen allele CA1272826.

ClinVar aggregate classification (germline): Benign/Likely benign. Review status: criteria provided, multiple submitters, no conflicts (2 of 4 stars). 5 submissions from 5 submitters: Benign (1); Likely benign (3). 1 of the submissions does not count toward it. Last evaluated 2025-12-31.

Conditions:
XPR1-related disorder. Also called: XPR1-related condition.

Allele frequency attached by ClinVar (database versions not stated): 1000 Genomes Project 30x 0.00031; 1000 Genomes Project 0.00040; ESP Exome Variant Server 0.00054; TOPMed 0.00057; gnomAD 0.00064; gnomAD exomes 0.00066; ExAC 0.00068.
gnomAD v4.1: 1,035 of 1,614,158 alleles (0.064%); highest among the groups gnomAD compares: Admixed American, 0.13%; 2 homozygotes.

Submissions (5):

Labcorp Genetics (formerly Invitae), Labcorp
Classification: Likely benign. Last evaluated: 2025-12-31. Review status: criteria provided, single submitter. Criteria: Invitae Variant Classification Sherloc (09022015). Collection method: clinical testing. Allele origin: germline.

Mayo Clinic Laboratories, Mayo Clinic
Classification: Likely benign. Last evaluated: 2024-12-11. Review status: criteria provided, single submitter. Criteria: ACMG Guidelines, 2015. Collection method: clinical testing. Allele origin: germline. Observed: 2 variant alleles.
Comment: BS2, BP4_strong

Blueprint Genetics
Classification: Likely benign. Last evaluated: 2024-11-01. Review status: criteria provided, single submitter. Criteria: ACMG Guidelines, 2015. Collection method: clinical testing. Allele origin: germline.

GeneDx
Classification: Benign. Last evaluated: 2020-02-13. Review status: criteria provided, single submitter. Criteria: GeneDx Variant Classification Process June 2021. Collection method: clinical testing. Allele origin: germline. Affected: yes.
Comment: This variant is associated with the following publications: (PMID: 26231937, 27230854, 25938945)

PreventionGenetics, part of Exact Sciences
Classification: Likely benign for XPR1-related condition. Last evaluated: 2024-03-28. Review status: no assertion criteria provided. Collection method: clinical testing. Allele origin: germline. Not counted in ClinVar's aggregate classification.
Comment: This variant is classified as likely benign based on ACMG/AMP sequence variant interpretation guidelines (Richards et al. 2015 PMID: 25741868, with internal and published modifications).

Literature cited by the submitters: PubMed 25938945 (cited by Mayo Clinic Laboratories, Mayo Clinic).